The following is an entry in ClinVar:

NM_032237.5(POMK):c.359T>C (p.Leu120Pro)

Gene: POMK (protein O-mannose kinase; plus strand). Cytogenetic location: 8p11.21.
Variant type: single nucleotide variant.
Coding change: c.359T>C on transcript NM_032237.5 (MANE Select); coding-DNA position 359, T replaced by C.
Protein change: p.Leu120Pro; replaces leucine 120 with proline.
Molecular consequence: missense variant.
Genome position (GRCh38, 1-based): chr8:43,122,183, T>C. VCF-style: chr8-43122183-T-C. GRCh37 (hg19) VCF-style: chr8-42977326-T-C.
Other names: c.359T>C, p.Leu120Pro (NM_001277971.2); short protein forms L120P.
Identifiers: ClinVar variation 4849867 (VCV004849867.1).

ClinVar aggregate classification (germline): Likely pathogenic (1 of 4 stars; one submission).

Conditions:
Muscular dystrophy-dystroglycanopathy (congenital with brain and eye anomalies), type a, 12 (MDDGA12). Also called: WALKER-WARBURG SYNDROME OR MUSCLE-EYE-BRAIN DISEASE, POMK-RELATED. Identifiers: Orphanet 899, MedGen C3808964, MONDO:0014101, OMIM 615249.

Submission:

Egypt Genome Project
Classification: Likely pathogenic for Muscular dystrophy-dystroglycanopathy (congenital with brain and eye anomalies), type a, 12. Last evaluated: 2026-02-01. Review status: criteria provided, single submitter. Criteria: ACMG Guidelines, 2015. Collection method: research. Allele origin: germline. Affected: yes.
Comment: The NM_032237.4 c.359T>C is classified as likely pathogenic based on the ACMG/AMP criteria (PM1, PM2, PM3-supporting, PP3)